The following is an entry in ClinVar:

NM_001029883.3(PCARE):c.*1542A>G

Gene: PCARE (photoreceptor cilium actin regulator; minus strand). Cytogenetic location: 2p23.2.
Variant type: single nucleotide variant.
Coding change: c.*1542A>G on transcript NM_001029883.3 (MANE Select); 1542 bases downstream of the stop codon, A replaced by G.
Molecular consequence: 3 prime UTR variant.
Genome position (GRCh38, 1-based): chr2:29,063,327, T>C on the plus strand (A>G on the coding strand, the complement: PCARE is on the minus strand). VCF-style: chr2-29063327-T-C. GRCh37 (hg19) VCF-style: chr2-29286193-T-C.
Identifiers: ClinVar variation 335601 (VCV000335601.6), dbSNP rs719691, ClinGen allele CA10613091.

ClinVar aggregate classification (germline): Benign. Review status: criteria provided, multiple submitters, no conflicts (2 of 4 stars). 2 submissions from 2 submitters: Benign (2). Last evaluated 2018-01-13.

Conditions:
Retinitis pigmentosa (RP). Identifiers: Orphanet 791, MedGen C0035334, MeSH D012174, MONDO:0019200, OMIM 268000. Inheritance: Autosomal dominant, autosomal recessive and X linked inheritance.

Allele frequency attached by ClinVar (database versions not stated): gnomAD exomes 0.50000; gnomAD 0.55697 and 0.55801; TOPMed 0.56973; 1000 Genomes Project 0.62380; 1000 Genomes Project 30x 0.62586.
gnomAD v4.1: 85,178 of 152,226 alleles (56%); highest among the groups gnomAD compares: East Asian, 85%; 24,315 homozygotes.

Submissions (2):

Illumina Laboratory Services, Illumina
Classification: Benign for Retinitis pigmentosa. Last evaluated: 2018-01-13. Review status: criteria provided, single submitter. Criteria: ICSL Variant Classification Criteria 13 December 2019. Collection method: clinical testing. Allele origin: germline.
Comment: This variant was observed in the ICSL laboratory as part of a predisposition screen in an ostensibly healthy population. It had not been previously curated by ICSL or reported in the Human Gene Mutation Database (HGMD: prior to June 1st, 2018), and was therefore a candidate for classification through an automated scoring system. Utilizing variant allele frequency, disease prevalence and penetrance estimates, and inheritance mode, an automated score was calculated to assess if this variant is too frequent to cause the disease. Based on the score and internal cut-off values, a variant classified as benign is not then subjected to further curation. The score for this variant resulted in a classification of benign for this disease.

Breakthrough Genomics
Classification: Benign. Review status: criteria provided, single submitter. Criteria: ACMG Guidelines, 2015. Collection method: not provided. Allele origin: germline. Inheritance: Unknown mechanism. Affected: yes.